The following is an entry in ClinVar:

NM_002971.6(SATB1):c.611del (p.Ser204fs)

Gene: SATB1 (SATB homeobox 1; minus strand). Cytogenetic location: 3p24.3.
Variant type: Deletion.
Coding change: c.611del on transcript NM_002971.6 (MANE Select); coding-DNA position 611, one base deleted (C; older notation c.611delC).
Protein change: p.Ser204fs; shifts the reading frame from serine 204.
Molecular consequence: frameshift variant.
Genome position (GRCh38, 1-based): chr3:18,415,139, G deleted on the plus strand (C on the coding strand, the reverse complement: SATB1 is on the minus strand). VCF-style (leftmost placement, unchanged base first): chr3-18415138-TG-T. GRCh37 (hg19) VCF-style: chr3-18456630-TG-T.
Other names: c.611del, p.Ser204fs (NM_001131010.4, NM_001195470.3, NM_001322871.2 and 4 more transcripts); c.395del, p.Ser132fs (NM_001322876.2); short protein forms S132fs, S204fs.
Identifiers: ClinVar variation 3899809 (VCV003899809.1).

ClinVar aggregate classification (germline): Uncertain significance (1 of 4 stars; one submission).

Submission:

GeneDx
Classification: Uncertain significance. Last evaluated: 2024-11-19. Review status: criteria provided, single submitter. Criteria: GeneDx Variant Classification Process June 2021. Collection method: clinical testing. Allele origin: germline. Affected: yes.
Comment: Frameshift variant predicted to result in protein truncation or nonsense mediated decay in a gene or region of a gene for which loss of function is not a well-established mechanism of disease; Not observed at significant frequency in large population cohorts (gnomAD); Has not been previously published as pathogenic or benign to our knowledge